The following is an entry in ClinVar:

ClinVar aggregate classification (germline): not provided (0 of 4 stars; one submission).

Allele frequency attached by ClinVar (database versions not stated): gnomAD 0.00001; gnomAD exomes 0.00001.
gnomAD v4.1: 16 of 1,614,214 alleles (0.00099%); highest among the groups gnomAD compares: Middle Eastern, 0.016%; no homozygotes.

Submission:

Human Evolutionary Genetics, Institut Pasteur
No classification provided. Review status: no classification provided. Collection method: not provided. Allele origin: germline.
ClinVar note: Converted during submission from untested to not provided.

NM_001384950.1(NLRC5):c.4365C>T (p.Val1455=)

Gene: NLRC5 (NLR family CARD domain containing 5; plus strand). Cytogenetic location: 16q13.
Variant type: single nucleotide variant.
Coding change: c.4365C>T on transcript NM_001384950.1 (MANE Select); coding-DNA position 4365, C replaced by T.
Protein change: p.Val1455=; no amino-acid change (valine 1455 retained).
Molecular consequence: synonymous variant. On other transcripts: non-coding transcript variant (8).
Genome position (GRCh38, 1-based): chr16:57,067,429, C>T. VCF-style: chr16-57067429-C-T. GRCh37 (hg19) VCF-style: chr16-57101341-C-T.
Other names: c.4278C>T, p.Val1426= (NM_001330552.2, NM_001384951.1, NM_001384955.1 and 1 more transcripts); c.4362C>T, p.Val1454= (NM_001384952.1, NM_001384953.1); c.4281C>T, p.Val1427= (NM_001384954.1); c.4275C>T, p.Val1425= (NM_001384957.1); c.4191C>T, p.Val1397= (NM_001384958.1); c.4188C>T, p.Val1396= (NM_001384959.1, NM_001384960.1); c.4365C>T, p.Val1455= (NM_032206.5).
Identifiers: ClinVar variation 103195 (VCV000103195.2), dbSNP rs199476007, ClinGen allele CA230243.
Genomic context (GRCh38, chr16:57,067,429, plus strand): 5'-CTCCCTGTCTGTGTCCAGGTTGGCTCACTGTGACCTTGGAGCCCACCACAGCCTTCTTGT[C>T]GGGCAGCTGATGGAGACATGTGCCAGGCTGCAGCAGCTCAGGTCAGCGCCTGGAAACTCT-3'
Protein context (NP_001371879.1, residues 1445-1465): CDLGAHHSLL[Val1455=]GQLMETCARL